The following is an entry in ClinVar:

NM_033124.5(DRC2):c.205dup (p.Leu69fs)

Gene: DRC2 (dynein regulatory complex subunit 2; plus strand). Cytogenetic location: 12q13.12.
Variant type: Duplication.
Coding change: c.205dup on transcript NM_033124.5 (MANE Select); coding-DNA position 205, one base duplicated (C; older notation c.205dupC).
Protein change: p.Leu69fs; shifts the reading frame from leucine 69.
Molecular consequence: frameshift variant. On other transcripts: 5 prime UTR variant (1).
Genome position (GRCh38, 1-based): chr12:48,905,018, C duplicated; the last of 2 consecutive C bases (chr12:48,905,017-48,905,018); duplicating either gives the same sequence. VCF-style (leftmost placement, unchanged base first): chr12-48905016-T-TC. GRCh37 (hg19) VCF-style: chr12-49298799-T-TC.
Other names: c.-225dup (NM_001286957.2); short protein forms L69fs.
Identifiers: ClinVar variation 2820721 (VCV002820721.3), dbSNP rs2498822931, ClinGen allele CA2739272011.
Genomic context (GRCh38, chr12:48,905,016, plus strand): 5'-CCAAGGAGGAACACAACAGTGCTCTGAACCTTAATAAGATTAACACACAGTGGAGAACTG[T>TC]CCTTCGGGAAGTCAAGACCAGAGAACTTCATAAGGACATTGAGATCCTCAGCCAAACATT-3'

ClinVar aggregate classification (germline): Pathogenic (1 of 4 stars; one submission).

Conditions:
Primary ciliary dyskinesia 27. Also called: CILIARY DYSKINESIA, PRIMARY, 27, WITHOUT SITUS INVERSUS. Identifiers: Orphanet 244, MedGen C3809701, MONDO:0014215, OMIM 615504.

Submission:

Labcorp Genetics (formerly Invitae), Labcorp
Classification: Pathogenic for Primary ciliary dyskinesia 27. Last evaluated: 2024-10-22. Review status: criteria provided, single submitter. Criteria: Invitae Variant Classification Sherloc (09022015). Collection method: clinical testing. Allele origin: germline.
Comment: This sequence change creates a premature translational stop signal (p.Leu69Profs*11) in the CCDC65 gene. It is expected to result in an absent or disrupted protein product. Loss-of-function variants in CCDC65 are known to be pathogenic (PMID: 23991085, 24094744). This variant is not present in population databases (gnomAD no frequency). This variant has not been reported in the literature in individuals affected with CCDC65-related conditions. For these reasons, this variant has been classified as Pathogenic.

Literature cited by the submitters: PubMed 23991085; PubMed 24094744.